The following is an entry in ClinVar:

NM_001277115.2(DNAH11):c.1857T>A (p.Cys619Ter)

Gene: DNAH11 (dynein axonemal heavy chain 11; plus strand). Cytogenetic location: 7p15.3.
Variant type: single nucleotide variant.
Coding change: c.1857T>A on transcript NM_001277115.2 (MANE Select); coding-DNA position 1857, T replaced by A.
Protein change: p.Cys619Ter; replaces cysteine 619 with a stop codon.
Molecular consequence: nonsense.
Genome position (GRCh38, 1-based): chr7:21,588,520, T>A. VCF-style: chr7-21588520-T-A. GRCh37 (hg19) VCF-style: chr7-21628138-T-A.
Other names: c.1857T>A, p.Cys619Ter (NM_003777.3); short protein forms C619*.
Identifiers: ClinVar variation 2835964 (VCV002835964.3), dbSNP rs1361512116, ClinGen allele CA366939009.

ClinVar aggregate classification (germline): Pathogenic (1 of 4 stars; one submission).

Conditions:
Primary ciliary dyskinesia. Also called: Ciliary dyskinesia. Identifiers: Orphanet 244, MedGen C0008780, MONDO:0016575, HP:0012265.

Submission:

Labcorp Genetics (formerly Invitae), Labcorp
Classification: Pathogenic for Primary ciliary dyskinesia. Last evaluated: 2023-02-09. Review status: criteria provided, single submitter. Criteria: Invitae Variant Classification Sherloc (09022015). Collection method: clinical testing. Allele origin: germline.
Comment: This sequence change creates a premature translational stop signal (p.Cys619*) in the DNAH11 gene. It is expected to result in an absent or disrupted protein product. Loss-of-function variants in DNAH11 are known to be pathogenic (PMID: 18022865, 20513915, 22184204). This variant is not present in population databases (gnomAD no frequency). This variant has not been reported in the literature in individuals affected with DNAH11-related conditions. For these reasons, this variant has been classified as Pathogenic.

Literature cited by the submitters: PubMed 18022865; PubMed 20513915; PubMed 22184204.